The following is an entry in ClinVar:

ClinVar aggregate classification (germline): Uncertain significance. Review status: criteria provided, multiple submitters, no conflicts (2 of 4 stars). 3 submissions from 3 submitters: Uncertain significance (3). Last evaluated 2023-12-18.

Conditions:
Inborn genetic diseases. Identifiers: MedGen C0950123, MeSH D030342.
Hydrocephalus, nonsyndromic, autosomal recessive 2. Also called: Hydrocephalus, congenital, 2, with or without brain or eye anomalies. Identifiers: Orphanet 2185, MedGen C3554691, MONDO:0014085, OMIM 615219.

Allele frequency attached by ClinVar (database versions not stated): gnomAD 0.00027 and 0.00029; gnomAD exomes 0.00028; ExAC 0.00029; TOPMed 0.00031; ESP Exome Variant Server 0.00032.

Submissions (3):

Labcorp Genetics (formerly Invitae), Labcorp
Classification: Uncertain significance. Last evaluated: 2023-12-18. Review status: criteria provided, single submitter. Criteria: Invitae Variant Classification Sherloc (09022015). Collection method: clinical testing. Allele origin: germline.
Comment: This sequence change replaces serine, which is neutral and polar, with threonine, which is neutral and polar, at codon 298 of the MPDZ protein (p.Ser298Thr). This variant is present in population databases (rs201889514, gnomAD 0.06%). This variant has not been reported in the literature in individuals affected with MPDZ-related conditions. ClinVar contains an entry for this variant (Variation ID: 1005147). An algorithm developed to predict the effect of missense changes on protein structure and function (PolyPhen-2) suggests that this variant is likely to be disruptive. In summary, the available evidence is currently insufficient to determine the role of this variant in disease. Therefore, it has been classified as a Variant of Uncertain Significance.

Ambry Genetics
Classification: Uncertain significance for Inborn genetic diseases. Last evaluated: 2022-01-25. Review status: criteria provided, single submitter. Criteria: Ambry Variant Classification Scheme 2023. Collection method: clinical testing. Allele origin: germline.

Baylor Genetics
Classification: Uncertain significance for Hydrocephalus, nonsyndromic, autosomal recessive 2. Last evaluated: 2018-09-27. Review status: criteria provided, single submitter. Criteria: ACMG Guidelines, 2015. Collection method: clinical testing. Allele origin: paternal. Affected: yes.
Comment: This variant was determined to be of uncertain significance according to ACMG Guidelines, 2015 [PMID:25741868].

NM_001378778.1(MPDZ):c.893G>C (p.Ser298Thr)

Gene: MPDZ (multiple PDZ domain crumbs cell polarity complex component; minus strand). Cytogenetic location: 9p23.
Variant type: single nucleotide variant.
Coding change: c.893G>C on transcript NM_001378778.1 (MANE Select); coding-DNA position 893, G replaced by C.
Protein change: p.Ser298Thr; replaces serine 298 with threonine.
Molecular consequence: missense variant.
Genome position (GRCh38, 1-based): chr9:13,219,752, C>G on the plus strand (G>C on the coding strand, the complement: MPDZ is on the minus strand). VCF-style: chr9-13219752-C-G. GRCh37 (hg19) VCF-style: chr9-13219751-C-G.
Other names: c.893G>C, p.Ser298Thr (NM_001261406.2, NM_001261407.2, NM_001330637.2 and 14 more transcripts); c.893G>C (NM_003829.3); short protein forms S298T.
Identifiers: ClinVar variation 1005147 (VCV001005147.7), dbSNP rs201889514, ClinGen allele CA4987960.